The following is an entry in ClinVar:

ClinVar aggregate classification (germline): Benign/Likely benign. Review status: criteria provided, multiple submitters, no conflicts (2 of 4 stars). 2 submissions from 2 submitters: Benign (1); Likely benign (1). Last evaluated 2021-02-20.

Conditions:
Distal arthrogryposis type 2B1 (DA2B1). Also called: Arthrogryposis multiplex congenita distal type II with craniofacial abnormalities. Identifiers: Orphanet 1147, MedGen C5193014, MONDO:0020820, OMIM 601680.

Allele frequency attached by ClinVar (database versions not stated): gnomAD 0.00003; TOPMed 0.00004; gnomAD exomes 0.00146; 1000 Genomes Project 30x 0.00234; 1000 Genomes Project 0.00260; ExAC 0.00335.
gnomAD v4.1: 819 of 1,410,032 alleles (0.058%); highest among the groups gnomAD compares: South Asian, 0.95%; 6 homozygotes.

Submissions (2):

GeneDx
Classification: Likely benign. Last evaluated: 2021-02-20. Review status: criteria provided, single submitter. Criteria: GeneDx Variant Classification Process June 2021. Collection method: clinical testing. Allele origin: germline. Affected: yes.

Illumina Laboratory Services, Illumina
Classification: Benign for Distal arthrogryposis type 2B1. Last evaluated: 2018-01-13. Review status: criteria provided, single submitter. Criteria: ICSL Variant Classification Criteria 13 December 2019. Collection method: clinical testing. Allele origin: germline.
Comment: This variant was observed in the ICSL laboratory as part of a predisposition screen in an ostensibly healthy population. It had not been previously curated by ICSL or reported in the Human Gene Mutation Database (HGMD: prior to June 1st, 2018), and was therefore a candidate for classification through an automated scoring system. Utilizing variant allele frequency, disease prevalence and penetrance estimates, and inheritance mode, an automated score was calculated to assess if this variant is too frequent to cause the disease. Based on the score and internal cut-off values, a variant classified as benign is not then subjected to further curation. The score for this variant resulted in a classification of benign for this disease.

NM_006757.4(TNNT3):c.*86C>T

Gene: TNNT3 (troponin T3, fast skeletal type; plus strand). Cytogenetic location: 11p15.5.
Variant type: single nucleotide variant.
Coding change: c.*86C>T on transcript NM_006757.4 (MANE Select); 86 bases downstream of the stop codon, C replaced by T.
Molecular consequence: 3 prime UTR variant.
Genome position (GRCh38, 1-based): chr11:1,938,578, C>T. VCF-style: chr11-1938578-C-T. GRCh37 (hg19) VCF-style: chr11-1959808-C-T.
Other names: c.*86C>T (NM_001042780.3, NM_001042781.3, NM_001042782.3 and 13 more transcripts).
Identifiers: ClinVar variation 303981 (VCV000303981.8), dbSNP rs200540491, ClinGen allele CA5816692.